The following is an entry in ClinVar:

ClinVar aggregate classification (germline): Pathogenic/Likely pathogenic. Review status: criteria provided, multiple submitters, no conflicts (2 of 4 stars). 2 submissions from 2 submitters: Pathogenic (1); Likely pathogenic (1). Last evaluated 2026-01-18.

Conditions:
Chédiak-Higashi syndrome (CHS). Also called: Chediak-Higashi Syndrome. Identifiers: Orphanet 167, MedGen C0007965, MONDO:0008963, OMIM 214500.

Allele frequency attached by ClinVar (database versions not stated): gnomAD exomes below 0.00001.
gnomAD v4.1: 2 of 1,562,106 alleles (0.00013%); highest among the groups gnomAD compares: Non-Finnish European, 0.00017%; no homozygotes.

Submissions (2):

Labcorp Genetics (formerly Invitae), Labcorp
Classification: Pathogenic for Chédiak-Higashi syndrome. Last evaluated: 2026-01-18. Review status: criteria provided, single submitter. Criteria: Invitae Variant Classification Sherloc (09022015). Collection method: clinical testing. Allele origin: germline.
Comment: This sequence change creates a premature translational stop signal (p.Glu3292*) in the LYST gene. It is expected to result in an absent or disrupted protein product. Loss-of-function variants in LYST are known to be pathogenic (PMID: 9215679, 11857544). This variant is not present in population databases (gnomAD no frequency). This variant has not been reported in the literature in individuals affected with LYST-related conditions. ClinVar contains an entry for this variant (Variation ID: 838337). For these reasons, this variant has been classified as Pathogenic.

Baylor Genetics
Classification: Likely pathogenic for Chédiak-Higashi syndrome. Last evaluated: 2023-05-09. Review status: criteria provided, single submitter. Criteria: ACMG Guidelines, 2015. Collection method: clinical testing. Allele origin: unknown.

Literature cited by the submitters: PubMed 9215679 (cited by Labcorp Genetics (formerly Invitae), Labcorp); PubMed 11857544 (cited by Labcorp Genetics (formerly Invitae), Labcorp).

NM_000081.4(LYST):c.9874G>T (p.Glu3292Ter)

Gene: LYST (lysosomal trafficking regulator; minus strand). Cytogenetic location: 1q42.3.
Variant type: single nucleotide variant.
Coding change: c.9874G>T on transcript NM_000081.4 (MANE Select); coding-DNA position 9874, G replaced by T.
Protein change: p.Glu3292Ter; replaces glutamic acid 3292 with a stop codon.
Molecular consequence: nonsense.
Genome position (GRCh38, 1-based): chr1:235,712,108, C>A on the plus strand (G>T on the coding strand, the complement: LYST is on the minus strand). VCF-style: chr1-235712108-C-A. GRCh37 (hg19) VCF-style: chr1-235875408-C-A.
Other names: c.9874G>T, p.Glu3292Ter (NM_001301365.1); short protein forms E3292*.
Identifiers: ClinVar variation 838337 (VCV000838337.7), dbSNP rs778586545, ClinGen allele CA39597018.